The following is an entry in ClinVar:

ClinVar aggregate classification (germline): Benign/Likely benign. Review status: criteria provided, multiple submitters, no conflicts (2 of 4 stars). 5 submissions from 5 submitters: Benign (3); Likely benign (2). Last evaluated 2026-04-06.

Conditions:
Ullrich congenital muscular dystrophy 2 (UCMD2). Identifiers: Orphanet 75840, MedGen C4225314, MONDO:0014654, OMIM 616470.
Bethlem myopathy 2 (BTHLM2). Identifiers: Orphanet 536516, Orphanet 610, MedGen C4225313, MONDO:0034022, OMIM 616471.

Allele frequency attached by ClinVar (database versions not stated): gnomAD exomes 0.00216 and 0.00565; ExAC 0.00684; gnomAD 0.02279 and 0.02433; ESP Exome Variant Server 0.02379; TOPMed 0.02594; 1000 Genomes Project 0.02756; 1000 Genomes Project 30x 0.02920.
gnomAD v4.1: 6,782 of 1,613,054 alleles (0.42%); highest among the groups gnomAD compares: African/African-American, 8%; 239 homozygotes.

Submissions (5):

Women's Health and Genetics/Laboratory Corporation of America, LabCorp
Classification: Likely benign. Last evaluated: 2026-04-06. Review status: criteria provided, single submitter. Criteria: LabCorp Variant Classification Summary - May 2015. Collection method: clinical testing. Allele origin: germline.

Labcorp Genetics (formerly Invitae), Labcorp
Classification: Benign for Bethlem myopathy 2; Ullrich congenital muscular dystrophy 2. Last evaluated: 2026-02-02. Review status: criteria provided, single submitter. Criteria: Invitae Variant Classification Sherloc (09022015). Collection method: clinical testing. Allele origin: germline.

Mayo Clinic Laboratories, Mayo Clinic
Classification: Benign. Last evaluated: 2024-02-29. Review status: criteria provided, single submitter. Criteria: ACMG Guidelines, 2015. Collection method: clinical testing. Allele origin: germline. Observed: 42 variant alleles.
Comment: BA1

Fulgent Genetics
Classification: Likely benign for Ullrich congenital muscular dystrophy 2; Bethlem myopathy 2. Last evaluated: 2021-08-24. Review status: criteria provided, single submitter. Criteria: ACMG Guidelines, 2015. Collection method: clinical testing. Allele origin: unknown.

GeneDx
Classification: Benign. Last evaluated: 2018-09-07. Review status: criteria provided, single submitter. Criteria: GeneDx Variant Classification Process June 2021. Collection method: clinical testing. Allele origin: germline. Affected: yes.

NM_004370.6(COL12A1):c.626A>C (p.Lys209Thr)

Gene: COL12A1 (collagen type XII alpha 1 chain; minus strand). Cytogenetic location: 6q13.
Variant type: single nucleotide variant.
Coding change: c.626A>C on transcript NM_004370.6 (MANE Select); coding-DNA position 626, A replaced by C.
Protein change: p.Lys209Thr; replaces lysine 209 with threonine.
Molecular consequence: missense variant. On other transcripts: intron variant (1).
Genome position (GRCh38, 1-based): chr6:75,189,584, T>G on the plus strand (A>C on the coding strand, the complement: COL12A1 is on the minus strand). VCF-style: chr6-75189584-T-G. GRCh37 (hg19) VCF-style: chr6-75899300-T-G.
Other names: p.Lys209Thr; c.73+13136A>C (NM_080645.3); short protein forms K209T.
Identifiers: ClinVar variation 475885 (VCV000475885.18), dbSNP rs75535959, ClinGen allele CA3894390.